The following is an entry in ClinVar:

NM_001083961.2(WDR62):c.2972A>T (p.Asp991Val)

Gene: WDR62 (WD repeat domain 62; plus strand). Cytogenetic location: 19q13.12.
Variant type: single nucleotide variant.
Coding change: c.2972A>T on transcript NM_001083961.2 (MANE Select); coding-DNA position 2972, A replaced by T.
Protein change: p.Asp991Val; replaces aspartic acid 991 with valine.
Molecular consequence: missense variant.
Genome position (GRCh38, 1-based): chr19:36,101,664, A>T. VCF-style: chr19-36101664-A-T. GRCh37 (hg19) VCF-style: chr19-36592566-A-T.
Other names: c.2972A>T, p.Asp991Val (NM_173636.5); short protein forms D991V.
Identifiers: ClinVar variation 328920 (VCV000328920.20), dbSNP rs749528768, ClinGen allele CA9396120.

ClinVar aggregate classification (germline): Conflicting classifications of pathogenicity. Review status: criteria provided, conflicting classifications (1 of 4 stars). 7 submissions from 7 submitters: Uncertain significance (6); Likely benign (1). Last evaluated 2024-11-11.

Conditions:
Microcephaly 2, primary, autosomal recessive, with or without cortical malformations. Also called: MICROCEPHALY 2, PRIMARY, AUTOSOMAL RECESSIVE, WITH CORTICAL MALFORMATIONS; WDR62 Primary Microcephaly. Identifiers: Orphanet 2512, MedGen C1858535, MONDO:0011435, OMIM 604317.

Allele frequency attached by ClinVar (database versions not stated): ExAC 0.00006; gnomAD 0.00006 and 0.00008; gnomAD exomes 0.00009 and 0.00010; TOPMed 0.00009.
gnomAD v4.1: 145 of 1,550,184 alleles (0.0094%); highest among the groups gnomAD compares: Middle Eastern, 0.19%; no homozygotes.

Submissions (7):

Blueprint Genetics
Classification: Uncertain significance. Last evaluated: 2024-11-11. Review status: criteria provided, single submitter. Criteria: ACMG Guidelines, 2015. Collection method: clinical testing. Allele origin: germline.

3billion
Classification: Likely benign for Microcephaly 2, primary, autosomal recessive, with or without cortical malformations. Last evaluated: 2024-09-20. Review status: criteria provided, single submitter. Criteria: ACMG Guidelines, 2015. Collection method: clinical testing. Allele origin: germline. Affected: no.
Comment: The homozygous variant was found in patients diagnosed with another variant in a different gene, with no symptoms related to the gene containing the homozygous variant.

Labcorp Genetics (formerly Invitae), Labcorp
Classification: Uncertain significance. Last evaluated: 2023-11-27. Review status: criteria provided, single submitter. Criteria: Invitae Variant Classification Sherloc (09022015). Collection method: clinical testing. Allele origin: germline.
Comment: This sequence change replaces aspartic acid, which is acidic and polar, with valine, which is neutral and non-polar, at codon 991 of the WDR62 protein (p.Asp991Val). This variant is present in population databases (rs749528768, gnomAD 0.02%). This variant has not been reported in the literature in individuals affected with WDR62-related conditions. ClinVar contains an entry for this variant (Variation ID: 328920). An algorithm developed to predict the effect of missense changes on protein structure and function (PolyPhen-2) suggests that this variant is likely to be disruptive. In summary, the available evidence is currently insufficient to determine the role of this variant in disease. Therefore, it has been classified as a Variant of Uncertain Significance.

Baylor Genetics
Classification: Uncertain significance for Microcephaly 2, primary, autosomal recessive, with or without cortical malformations. Last evaluated: 2020-03-11. Review status: criteria provided, single submitter. Criteria: ACMG Guidelines, 2015. Collection method: clinical testing. Allele origin: unknown. Affected: yes.
Comment: This variant was determined to be of uncertain significance according to ACMG Guidelines, 2015 [PMID:25741868].

Mayo Clinic Laboratories, Mayo Clinic
Classification: Uncertain significance. Last evaluated: 2019-07-29. Review status: criteria provided, single submitter. Criteria: ACMG Guidelines, 2015. Collection method: clinical testing. Allele origin: germline. Observed: 2 variant alleles.

Illumina Laboratory Services, Illumina
Classification: Uncertain significance for Microcephaly 2, primary, autosomal recessive, with or without cortical malformations. Last evaluated: 2018-01-13. Review status: criteria provided, single submitter. Criteria: ICSL Variant Classification Criteria 13 December 2019. Collection method: clinical testing. Allele origin: germline.

Genetic Services Laboratory, University of Chicago
Classification: Uncertain significance. Last evaluated: 2015-09-23. Review status: criteria provided, single submitter. Criteria: ACMG Guidelines, 2015. Collection method: clinical testing. Allele origin: germline. Affected: no.